The following is an entry in ClinVar:

NM_030916.3(NECTIN4):c.1117C>T (p.Arg373Ter)

Gene: NECTIN4 (nectin cell adhesion molecule 4; minus strand). Cytogenetic location: 1q23.3.
Variant type: single nucleotide variant.
Coding change: c.1117C>T on transcript NM_030916.3 (MANE Select); coding-DNA position 1117, C replaced by T.
Protein change: p.Arg373Ter; replaces arginine 373 with a stop codon.
Molecular consequence: nonsense.
Genome position (GRCh38, 1-based): chr1:161,074,257, G>A on the plus strand (C>T on the coding strand, the complement: NECTIN4 is on the minus strand). VCF-style: chr1-161074257-G-A. GRCh37 (hg19) VCF-style: chr1-161044047-G-A.
Other names: short protein forms R373*.
Identifiers: ClinVar variation 3613989 (VCV003613989.2).

ClinVar aggregate classification (germline): Pathogenic (1 of 4 stars; one submission).

gnomAD v4.1: 28 of 1,613,880 alleles (0.0017%); highest among the groups gnomAD compares: Non-Finnish European, 0.0023%; no homozygotes.

Submission:

Labcorp Genetics (formerly Invitae), Labcorp
Classification: Pathogenic. Last evaluated: 2024-06-05. Review status: criteria provided, single submitter. Criteria: Invitae Variant Classification Sherloc (09022015). Collection method: clinical testing. Allele origin: germline.
Comment: This sequence change creates a premature translational stop signal (p.Arg373*) in the NECTIN4 gene. It is expected to result in an absent or disrupted protein product. Loss-of-function variants in NECTIN4 are known to be pathogenic (PMID: 20691405, 25529316). This variant is not present in population databases (gnomAD no frequency). This variant has not been reported in the literature in individuals affected with NECTIN4-related conditions. For these reasons, this variant has been classified as Pathogenic.

Literature cited by the submitters: PubMed 20691405; PubMed 25529316.